The following is an entry in ClinVar:

NM_000171.4(GLRA1):c.44T>C (p.Ile15Thr)

Gene: GLRA1 (glycine receptor alpha 1; minus strand). Cytogenetic location: 5q33.1.
Variant type: single nucleotide variant.
Coding change: c.44T>C on transcript NM_000171.4 (MANE Select); coding-DNA position 44, T replaced by C.
Protein change: p.Ile15Thr; replaces isoleucine 15 with threonine.
Molecular consequence: missense variant. On other transcripts: 5 prime UTR variant (1).
Genome position (GRCh38, 1-based): chr5:151,924,506, A>G on the plus strand (T>C on the coding strand, the complement: GLRA1 is on the minus strand). VCF-style: chr5-151924506-A-G. GRCh37 (hg19) VCF-style: chr5-151304067-A-G.
Other names: c.44T>C, p.Ile15Thr (NM_001146040.2); c.-78T>C (NM_001292000.2); short protein forms I15T.
Identifiers: ClinVar variation 945070 (VCV000945070.9), dbSNP rs769117123, ClinGen allele CA3523807.

ClinVar aggregate classification (germline): Uncertain significance. Review status: criteria provided, multiple submitters, no conflicts (2 of 4 stars). 3 submissions from 3 submitters: Uncertain significance (3). Last evaluated 2026-01-19.

Conditions:
Hereditary hyperekplexia. Identifiers: Orphanet 3197, MedGen C4084968, MONDO:0021022.
Inborn genetic diseases. Identifiers: MedGen C0950123, MeSH D030342.

Allele frequency attached by ClinVar (database versions not stated): TOPMed below 0.00001; gnomAD exomes 0.00001; ExAC 0.00002.
gnomAD v4.1: 16 of 1,596,260 alleles (0.001%); highest among the groups gnomAD compares: South Asian, 0.0022%; no homozygotes.

Submissions (3):

Labcorp Genetics (formerly Invitae), Labcorp
Classification: Uncertain significance for Hereditary hyperekplexia. Last evaluated: 2026-01-19. Review status: criteria provided, single submitter. Criteria: Invitae Variant Classification Sherloc (09022015). Collection method: clinical testing. Allele origin: germline.
Comment: This sequence change replaces isoleucine, which is neutral and non-polar, with threonine, which is neutral and polar, at codon 15 of the GLRA1 protein (p.Ile15Thr). This variant is present in population databases (rs769117123, gnomAD 0.003%). This variant has not been reported in the literature in individuals affected with GLRA1-related conditions. ClinVar contains an entry for this variant (Variation ID: 945070). Invitae Evidence Modeling of protein sequence and biophysical properties (such as structural, functional, and spatial information, amino acid conservation, physicochemical variation, residue mobility, and thermodynamic stability) indicates that this missense variant is not expected to disrupt GLRA1 protein function with a negative predictive value of 95%. In summary, the available evidence is currently insufficient to determine the role of this variant in disease. Therefore, it has been classified as a Variant of Uncertain Significance.

Ambry Genetics
Classification: Uncertain significance for Inborn genetic diseases. Last evaluated: 2025-11-13. Review status: criteria provided, single submitter. Criteria: Ambry Variant Classification Scheme 2023. Collection method: clinical testing. Allele origin: germline.

GeneDx
Classification: Uncertain significance. Last evaluated: 2022-05-16. Review status: criteria provided, single submitter. Criteria: GeneDx Variant Classification Process June 2021. Collection method: clinical testing. Allele origin: germline. Affected: yes.
Comment: Not observed at significant frequency in large population cohorts (gnomAD); In silico analysis supports that this missense variant does not alter protein structure/function; Has not been previously published as pathogenic or benign to our knowledge